The following is an entry in ClinVar:

NM_139343.3(BIN1):c.698+10A>G

Gene: BIN1 (bridging integrator 1; minus strand). Cytogenetic location: 2q14.3.
Variant type: single nucleotide variant.
Coding change: c.698+10A>G on transcript NM_139343.3 (MANE Select); 10 bases into the intron after coding-DNA position 698, A replaced by G.
Molecular consequence: intron variant.
Genome position (GRCh38, 1-based): chr2:127,063,923, T>C on the plus strand (A>G on the coding strand, the complement: BIN1 is on the minus strand). VCF-style: chr2-127063923-T-C. GRCh37 (hg19) VCF-style: chr2-127821499-T-C.
Other names: p.?; c.617+10A>G (NM_001320642.1); c.533+10A>G (NM_001320634.1); c.605+10A>G (NM_139351.3, NM_139350.3, NM_139349.3 and 6 more transcripts); c.698+10A>G (NM_001320633.2, NM_139345.3, NM_139344.3 and 1 more transcripts).
Identifiers: ClinVar variation 158017 (VCV000158017.30), dbSNP rs72481904, ClinGen allele CA171405.

ClinVar aggregate classification (germline): Benign. Review status: criteria provided, multiple submitters, no conflicts (2 of 4 stars). 11 submissions from 11 submitters: Benign (9). 2 of the submissions do not count toward it. Last evaluated 2026-02-03.

Conditions:
Myopathy, centronuclear, 2 (CNM2). Also called: MYOTUBULAR MYOPATHY, AUTOSOMAL RECESSIVE. Identifiers: Orphanet 169186, MedGen CN031787, MONDO:0009709, OMIM 255200.

Allele frequency attached by ClinVar (database versions not stated): TOPMed 0.30880; ExAC 0.37037; ESP Exome Variant Server 0.28718; gnomAD 0.30545 and 0.31316; 1000 Genomes Project 30x 0.34244; 1000 Genomes Project 0.34525; gnomAD exomes 0.37443.
gnomAD v4.1: 573,242 of 1,613,204 alleles (36%); highest among the groups gnomAD compares: South Asian, 49%; 105,053 homozygotes.

Submissions (11):

Labcorp Genetics (formerly Invitae), Labcorp
Classification: Benign for Myopathy, centronuclear, 2. Last evaluated: 2026-02-03. Review status: criteria provided, single submitter. Criteria: Invitae Variant Classification Sherloc (09022015). Collection method: clinical testing. Allele origin: germline.

Genome-Nilou Lab
Classification: Benign for Myopathy, centronuclear, 2. Last evaluated: 2021-07-14. Review status: criteria provided, single submitter. Criteria: ACMG Guidelines, 2015. Collection method: clinical testing. Allele origin: germline. Affected: no.

Illumina Laboratory Services, Illumina
Classification: Benign for Myopathy, centronuclear, 2. Last evaluated: 2018-01-12. Review status: criteria provided, single submitter. Criteria: ICSL Variant Classification Criteria 13 December 2019. Collection method: clinical testing. Allele origin: germline.
Comment: This variant was observed in the ICSL laboratory as part of a predisposition screen in an ostensibly healthy population. It had not been previously curated by ICSL or reported in the Human Gene Mutation Database (HGMD: prior to June 1st, 2018), and was therefore a candidate for classification through an automated scoring system. Utilizing variant allele frequency, disease prevalence and penetrance estimates, and inheritance mode, an automated score was calculated to assess if this variant is too frequent to cause the disease. Based on the score and internal cut-off values, a variant classified as benign is not then subjected to further curation. The score for this variant resulted in a classification of benign for this disease.

Mayo Clinic Laboratories, Mayo Clinic
Classification: Benign. Last evaluated: 2017-10-04. Review status: criteria provided, single submitter. Criteria: ACMG Guidelines, 2015. Collection method: clinical testing. Allele origin: germline. Observed: 497 variant alleles.

GeneDx
Classification: Benign. Last evaluated: 2016-01-28. Review status: criteria provided, single submitter. Criteria: GeneDx Variant Classification (06012015). Collection method: clinical testing. Allele origin: germline. Affected: yes.
Comment: This variant is considered likely benign or benign based on one or more of the following criteria: it is a conservative change, it occurs at a poorly conserved position in the protein, it is predicted to be benign by multiple in silico algorithms, and/or has population frequency not consistent with disease.

Laboratory for Molecular Medicine, Mass General Brigham Personalized Medicine
Classification: Benign. Last evaluated: 2014-11-24. Review status: criteria provided, single submitter. Criteria: LMM Criteria. Collection method: clinical testing. Allele origin: germline. Observed: 9 variant alleles.
Comment: 698+10A>G in intron 8 of BIN1: This variant is not expected to have clinical sig nificance because it is not located within the conserved splice consensus sequen ce. It has been identified in 34.9% (3002/8600) of European American chromosomes from a broad population by the NHLBI Exome Sequencing Project (dbSNP rs72481904).

Genetic Services Laboratory, University of Chicago
Classification: Benign. Last evaluated: 2013-02-08. Review status: criteria provided, single submitter. Criteria: ACMG Guidelines, 2007. Collection method: clinical testing. Allele origin: germline. Inheritance: Autosomal recessive inheritance.

Breakthrough Genomics
Classification: Benign. Review status: criteria provided, single submitter. Criteria: ACMG Guidelines, 2015. Collection method: not provided. Allele origin: germline. Inheritance: Autosomal recessive inheritance. Affected: yes.

PreventionGenetics, part of Exact Sciences
Classification: Benign. Review status: criteria provided, single submitter. Criteria: ACMG Guidelines, 2015. Collection method: clinical testing. Allele origin: germline.

Diagnostic Laboratory, Department of Genetics, University Medical Center Groningen
Classification: Benign. Review status: no assertion criteria provided. Collection method: clinical testing. Allele origin: germline. Affected: yes. Study: VKGL Data-share Consensus. Not counted in ClinVar's aggregate classification.

Joint Genome Diagnostic Labs from Nijmegen and Maastricht, Radboudumc and MUMC+
Classification: Benign. Review status: no assertion criteria provided. Collection method: clinical testing. Allele origin: germline. Affected: yes. Study: VKGL Data-share Consensus. Not counted in ClinVar's aggregate classification.